The following is an entry in ClinVar:

NM_000059.4(BRCA2):c.1532C>T (p.Ser511Leu)

Gene: BRCA2 (BRCA2 DNA repair associated; plus strand). Cytogenetic location: 13q13.1.
Variant type: single nucleotide variant.
Coding change: c.1532C>T on transcript NM_000059.4 (MANE Select); coding-DNA position 1532, C replaced by T.
Protein change: p.Ser511Leu; replaces serine 511 with leucine.
Molecular consequence: missense variant. On other transcripts: non-coding transcript variant (1), intron variant (1).
Genome position (GRCh38, 1-based): chr13:32,333,010, C>T. VCF-style: chr13-32333010-C-T. GRCh37 (hg19) VCF-style: chr13-32907147-C-T.
Other names: c.1532C>T, p.Ser511Leu (NM_001406719.1, NM_001406720.1, NM_001406721.1 and 1 more transcripts); c.424+1980C>T (NM_001406722.1); short protein forms S511L.
Identifiers: ClinVar variation 3482009 (VCV003482009.2).

ClinVar aggregate classification (germline): Uncertain significance. Review status: criteria provided, multiple submitters, no conflicts (2 of 4 stars). 2 submissions from 2 submitters: Uncertain significance (2). Last evaluated 2025-03-22.

Conditions:
Hereditary cancer-predisposing syndrome. Also called: Tumor predisposition; Neoplastic Syndromes, Hereditary; Hereditary Cancer Syndrome; Hereditary neoplastic syndrome. Identifiers: Orphanet 140162, MedGen C0027672, MeSH D009386, MONDO:0015356.
Hereditary breast ovarian cancer syndrome. Also called: Hereditary breast and ovarian cancer; Breast and ovarian cancer; Hereditary breast and/or ovarian cancer syndrome; Hereditary breast and ovarian cancer syndrome; BRCA1- and BRCA2-Associated Hereditary Breast and Ovarian Cancer; Hereditary breast and ovarian cancer syndrome (HBOC). Identifiers: Orphanet 145, MedGen C0677776, MeSH D061325, MONDO:0003582. Disease mechanism: loss of function.

Submissions (2):

Labcorp Genetics (formerly Invitae), Labcorp
Classification: Uncertain significance for Hereditary breast ovarian cancer syndrome. Last evaluated: 2025-03-22. Review status: criteria provided, single submitter. Criteria: Invitae Variant Classification Sherloc (09022015). Collection method: clinical testing. Allele origin: germline.
Comment: This sequence change replaces serine, which is neutral and polar, with leucine, which is neutral and non-polar, at codon 511 of the BRCA2 protein (p.Ser511Leu). This variant is not present in population databases (gnomAD no frequency). This variant has not been reported in the literature in individuals affected with BRCA2-related conditions. ClinVar contains an entry for this variant (Variation ID: 3482009). Invitae Evidence Modeling of protein sequence and biophysical properties (such as structural, functional, and spatial information, amino acid conservation, physicochemical variation, residue mobility, and thermodynamic stability) indicates that this missense variant is not expected to disrupt BRCA2 protein function with a negative predictive value of 95%. In summary, the available evidence is currently insufficient to determine the role of this variant in disease. Therefore, it has been classified as a Variant of Uncertain Significance.

Ambry Genetics
Classification: Uncertain significance for Hereditary cancer-predisposing syndrome. Last evaluated: 2024-07-19. Review status: criteria provided, single submitter. Criteria: Ambry Variant Classification Scheme 2023. Collection method: clinical testing. Allele origin: germline.
Comment: The p.S511L variant (also known as c.1532C>T), located in coding exon 9 of the BRCA2 gene, results from a C to T substitution at nucleotide position 1532. The serine at codon 511 is replaced by leucine, an amino acid with dissimilar properties. This amino acid position is not well conserved in available vertebrate species. In addition, this alteration is predicted to be tolerated by in silico analysis. Based on the available evidence, the clinical significance of this variant remains unclear.